The following is an entry in ClinVar:

ClinVar aggregate classification (germline): Uncertain significance. Review status: criteria provided, multiple submitters, no conflicts (2 of 4 stars). 2 submissions from 2 submitters: Uncertain significance (2). Last evaluated 2024-07-24.

Conditions:
Hereditary cancer-predisposing syndrome. Also called: Hereditary Cancer Syndrome; Hereditary neoplastic syndrome; Neoplastic Syndromes, Hereditary; Tumor predisposition. Identifiers: Orphanet 140162, MedGen C0027672, MeSH D009386, MONDO:0015356.

Submissions (2):

Ambry Genetics
Classification: Uncertain significance for Hereditary cancer-predisposing syndrome. Last evaluated: 2024-07-24. Review status: criteria provided, single submitter. Criteria: Ambry Variant Classification Scheme 2023. Collection method: clinical testing. Allele origin: germline.
Comment: The p.E19A variant (also known as c.56A>C), located in coding exon 1 of the CTNNA1 gene, results from an A to C substitution at nucleotide position 56. The glutamic acid at codon 19 is replaced by alanine, an amino acid with dissimilar properties. This amino acid position is conserved. In addition, this alteration is predicted to be deleterious by in silico analysis. The evidence for this gene-disease relationship is limited; therefore, the clinical significance of this alteration is unclear.

Labcorp Genetics (formerly Invitae), Labcorp
Classification: Uncertain significance. Last evaluated: 2023-10-20. Review status: criteria provided, single submitter. Criteria: Invitae Variant Classification Sherloc (09022015). Collection method: clinical testing. Allele origin: germline.
Comment: This sequence change replaces glutamic acid, which is acidic and polar, with alanine, which is neutral and non-polar, at codon 19 of the CTNNA1 protein (p.Glu19Ala). This variant is not present in population databases (gnomAD no frequency). This variant has not been reported in the literature in individuals affected with CTNNA1-related conditions. ClinVar contains an entry for this variant (Variation ID: 1749140). Advanced modeling of protein sequence and biophysical properties (such as structural, functional, and spatial information, amino acid conservation, physicochemical variation, residue mobility, and thermodynamic stability) has been performed at Invitae for this missense variant, however the output from this modeling did not meet the statistical confidence thresholds required to predict the impact of this variant on CTNNA1 protein function. In summary, the available evidence is currently insufficient to determine the role of this variant in disease. Therefore, it has been classified as a Variant of Uncertain Significance.

NM_001903.5(CTNNA1):c.56A>C (p.Glu19Ala)

Gene: CTNNA1 (catenin alpha 1; plus strand). Cytogenetic location: 5q31.2.
Variant type: single nucleotide variant.
Coding change: c.56A>C on transcript NM_001903.5 (MANE Select); coding-DNA position 56, A replaced by C.
Protein change: p.Glu19Ala; replaces glutamic acid 19 with alanine.
Molecular consequence: missense variant. On other transcripts: 5 prime UTR variant (2).
Genome position (GRCh38, 1-based): chr5:138,781,980, A>C. VCF-style: chr5-138781980-A-C. GRCh37 (hg19) VCF-style: chr5-138117669-A-C.
Other names: c.56A>C, p.Glu19Ala (NM_001290307.3, NM_001323982.2, NM_001323983.1 and 3 more transcripts); c.-58A>C (NM_001290309.3); c.-151A>C (NM_001290310.3); short protein forms E19A.
Identifiers: ClinVar variation 1749140 (VCV001749140.8), dbSNP rs1580978110, ClinGen allele CA361477141.